The following is an entry in ClinVar:

ClinVar aggregate classification (germline): Uncertain significance. Review status: criteria provided, multiple submitters, no conflicts (2 of 4 stars). 2 submissions from 2 submitters: Uncertain significance (2). Last evaluated 2024-09-30.

Allele frequency attached by ClinVar (database versions not stated): gnomAD exomes below 0.00001; gnomAD 0.00001; TOPMed 0.00001.
gnomAD v4.1: 3 of 1,614,000 alleles (0.00019%); highest among the groups gnomAD compares: Admixed American, 0.005%; no homozygotes.

Submissions (2):

Labcorp Genetics (formerly Invitae), Labcorp
Classification: Uncertain significance. Last evaluated: 2024-09-30. Review status: criteria provided, single submitter. Criteria: Invitae Variant Classification Sherloc (09022015). Collection method: clinical testing. Allele origin: germline.
Comment: This sequence change replaces valine, which is neutral and non-polar, with alanine, which is neutral and non-polar, at codon 1242 of the A2ML1 protein (p.Val1242Ala). This variant is present in population databases (rs200503146, gnomAD 0.009%). This variant has not been reported in the literature in individuals affected with A2ML1-related conditions. ClinVar contains an entry for this variant (Variation ID: 2403345). An algorithm developed to predict the effect of missense changes on protein structure and function (PolyPhen-2) suggests that this variant is likely to be disruptive. In summary, the available evidence is currently insufficient to determine the role of this variant in disease. Therefore, it has been classified as a Variant of Uncertain Significance.

Ambry Genetics
Classification: Uncertain significance. Last evaluated: 2023-10-08. Review status: criteria provided, single submitter. Criteria: Ambry Variant Classification Scheme 2023. Collection method: clinical testing. Allele origin: germline.
Comment: The p.V1242A variant (also known as c.3725T>C), located in coding exon 30 of the A2ML1 gene, results from a T to C substitution at nucleotide position 3725. The valine at codon 1242 is replaced by alanine, an amino acid with similar properties. This amino acid position is conserved. In addition, this alteration is predicted to be tolerated by in silico analysis. Since supporting evidence is limited at this time, the clinical significance of this alteration remains unclear.

NM_144670.6(A2ML1):c.3725T>C (p.Val1242Ala)

Gene: A2ML1 (alpha-2-macroglobulin like 1; plus strand). Cytogenetic location: 12p13.31.
Variant type: single nucleotide variant.
Coding change: c.3725T>C on transcript NM_144670.6 (MANE Select); coding-DNA position 3725, T replaced by C.
Protein change: p.Val1242Ala; replaces valine 1242 with alanine.
Molecular consequence: missense variant.
Genome position (GRCh38, 1-based): chr12:8,867,849, T>C. VCF-style: chr12-8867849-T-C. GRCh37 (hg19) VCF-style: chr12-9020445-T-C.
Other names: c.2252T>C, p.Val751Ala (NM_001282424.3); short protein forms V1242A, V751A.
Identifiers: ClinVar variation 2403345 (VCV002403345.5), dbSNP rs200503146, ClinGen allele CA232705029.